The following is an entry in ClinVar:

ClinVar aggregate classification (germline): Uncertain significance (1 of 4 stars; one submission).

gnomAD v4.1: 1 of 1,613,742 alleles (0.000062%); highest among the groups gnomAD compares: Non-Finnish European, 0.000085%; no homozygotes.

Submission:

Mayo Clinic Laboratories, Mayo Clinic
Classification: Uncertain significance. Last evaluated: 2025-06-11. Review status: criteria provided, single submitter. Criteria: ACMG Guidelines, 2015. Collection method: clinical testing. Allele origin: germline. Observed: 1 variant allele.
Comment: PM2_supporting

NM_020631.6(PLEKHG5):c.433G>A (p.Val145Ile)

Gene: PLEKHG5 (pleckstrin homology and RhoGEF domain containing G5; minus strand). Cytogenetic location: 1p36.31.
Variant type: single nucleotide variant.
Coding change: c.433G>A on transcript NM_020631.6 (MANE Select); coding-DNA position 433, G replaced by A.
Protein change: p.Val145Ile; replaces valine 145 with isoleucine.
Molecular consequence: missense variant.
Genome position (GRCh38, 1-based): chr1:6,474,457, C>T on the plus strand (G>A on the coding strand, the complement: PLEKHG5 is on the minus strand). VCF-style: chr1-6474457-C-T. GRCh37 (hg19) VCF-style: chr1-6534517-C-T.
Other names: p.Val145Ile; c.544G>A, p.Val182Ile (NM_001042663.3, NM_001265592.2); c.433G>A, p.Val145Ile (NM_001042664.2, NM_001042665.2, NM_001265594.3 and 1 more transcripts); c.640G>A, p.Val214Ile (NM_001265593.2); short protein forms V145I, V182I, V214I.
Identifiers: ClinVar variation 4541921 (VCV004541921.1).